The following is an entry in ClinVar:

NM_001754.5(RUNX1):c.1118C>T (p.Ser373Leu)

Gene: RUNX1 (RUNX family transcription factor 1; minus strand). Cytogenetic location: 21q22.12.
Variant type: single nucleotide variant.
Coding change: c.1118C>T on transcript NM_001754.5 (MANE Select); coding-DNA position 1118, C replaced by T.
Protein change: p.Ser373Leu; replaces serine 373 with leucine.
Molecular consequence: missense variant.
Genome position (GRCh38, 1-based): chr21:34,792,460, G>A on the plus strand (C>T on the coding strand, the complement: RUNX1 is on the minus strand). VCF-style: chr21-34792460-G-A. GRCh37 (hg19) VCF-style: chr21-36164757-G-A.
Other names: NM_001754.5(RUNX1):c.1118C>T; p.Ser373Leu; c.1037C>T, p.Ser346Leu (NM_001001890.3); short protein forms S346L, S373L.
Identifiers: ClinVar variation 2916977 (VCV002916977.4), dbSNP rs2145876569, ClinGen allele CA410148056.

ClinVar aggregate classification (germline): Uncertain significance. Review status: reviewed by expert panel (3 of 4 stars). 2 submissions from 2 submitters: Uncertain significance (1). 1 of the submissions does not count toward it. Last evaluated 2024-09-12.

Conditions:
Hereditary thrombocytopenia and hematological cancer predisposition syndrome associated with RUNX1. Also called: RUNX1 Familial Platelet Disorder with Associated Myeloid Malignancies; Familial Platelet Disorder with Propensity to Acute Myelogenous Leukemia; Familial thrombocytopenia with propensity to acute myelogenous leukemia; PLATELET DISORDER, ASPIRIN-LIKE. Identifiers: Orphanet 71290, MedGen C1832388, MeSH C563324, MONDO:0100083, OMIM 601399.
Hereditary thrombocytopenia and hematologic cancer predisposition syndrome. Identifiers: Orphanet 71290, MedGen CN281654, MONDO:0011071.

Allele frequency attached by ClinVar (database versions not stated): gnomAD exomes below 0.00001.
gnomAD v4.1: 2 of 1,581,300 alleles (0.00013%); highest among the groups gnomAD compares: Non-Finnish European, 0.00017%; no homozygotes.

Submissions (2):

ClinGen Myeloid Malignancy Variant Curation Expert Panel
Classification: Uncertain significance for Hereditary thrombocytopenia and hematologic cancer predisposition syndrome. Last evaluated: 2024-09-12. Review status: reviewed by expert panel. Criteria: ClinGen MyeloMalig ACMG Specifications v2. Collection method: curation. Allele origin: germline. Inheritance: Autosomal dominant inheritance.
Comment: NM_001754.5(RUNX1):c.1118C>T (p.Ser373Leu) is a missense variant which has a REVEL score of 0.382 and a SpliceAI score of 0.00, both of which are below their respective thresholds (BP4). In summary, the clinical significance of this variant is uncertain. ACMG/AMP criteria applied, as specified by the Myeloid Malignancy Variant Curation Expert Panel for RUNX1: BP4.

Labcorp Genetics (formerly Invitae), Labcorp
Classification: Uncertain significance for Hereditary thrombocytopenia and hematological cancer predisposition syndrome associated with RUNX1. Last evaluated: 2023-10-26. Review status: criteria provided, single submitter. Criteria: Invitae Variant Classification Sherloc (09022015). Collection method: clinical testing. Allele origin: germline. Not counted in ClinVar's aggregate classification.
Comment: This sequence change replaces serine, which is neutral and polar, with leucine, which is neutral and non-polar, at codon 373 of the RUNX1 protein (p.Ser373Leu). This variant is not present in population databases (gnomAD no frequency). This variant has not been reported in the literature in individuals affected with RUNX1-related conditions. Advanced modeling of protein sequence and biophysical properties (such as structural, functional, and spatial information, amino acid conservation, physicochemical variation, residue mobility, and thermodynamic stability) has been performed at Invitae for this missense variant, however the output from this modeling did not meet the statistical confidence thresholds required to predict the impact of this variant on RUNX1 protein function. In summary, the available evidence is currently insufficient to determine the role of this variant in disease. Therefore, it has been classified as a Variant of Uncertain Significance.